The following is an entry in ClinVar:

NM_014795.4(ZEB2):c.898C>T (p.His300Tyr)

Gene: ZEB2 (zinc finger E-box binding homeobox 2; minus strand). Cytogenetic location: 2q22.3.
Variant type: single nucleotide variant.
Coding change: c.898C>T on transcript NM_014795.4 (MANE Select); coding-DNA position 898, C replaced by T.
Protein change: p.His300Tyr; replaces histidine 300 with tyrosine.
Molecular consequence: missense variant.
Genome position (GRCh38, 1-based): chr2:144,401,217, G>A on the plus strand (C>T on the coding strand, the complement: ZEB2 is on the minus strand). VCF-style: chr2-144401217-G-A. GRCh37 (hg19) VCF-style: chr2-145158784-G-A.
Other names: c.826C>T, p.His276Tyr (NM_001171653.2); short protein forms H276Y, H300Y.
Identifiers: ClinVar variation 3984323 (VCV003984323.2).
Genomic context (GRCh38, chr2:144,401,217, plus strand): 5'-AAGTAAAATGCAAATGCGAGCTCCAGCACCTCTGCTACTCACCACTGTGAATTCGCAGGT[G>A]TTCTTTCAGATGGTGTTTATATTTGAAGGCCTTGCCACACTCTGTGCATTTGAACTTGCG-3'
Protein context (NP_055610.1, residues 290-310): AFKYKHHLKE[His300Tyr]LRIHSGEKPY

ClinVar aggregate classification (germline): Pathogenic/Likely pathogenic. Review status: criteria provided, multiple submitters, no conflicts (2 of 4 stars). 2 submissions from 2 submitters: Pathogenic (1); Likely pathogenic (1). Last evaluated 2025-06-06.

Conditions:
ZEB2-related disorder. Also called: ZEB2-related condition.
Inborn genetic diseases. Identifiers: MedGen C0950123, MeSH D030342.

Submissions (2):

Ambry Genetics
Classification: Pathogenic for Inborn genetic diseases. Last evaluated: 2025-06-06. Review status: criteria provided, single submitter. Criteria: Ambry Variant Classification Scheme 2023. Collection method: clinical testing. Allele origin: germline.
Comment: The c.898C>T (p.H300Y) alteration is located in exon 7 (coding exon 6) of the ZEB2 gene. This alteration results from a C to T substitution at nucleotide position 898, causing the histidine (H) at amino acid position 300 to be replaced by a tyrosine (Y). This variant was not reported in population-based cohorts in the Genome Aggregation Database (gnomAD). Another variant at the same codon, c.899A>G (p.H300R), has been identified in individual(s) with features consistent with Mowat-Wilson syndrome (Brunet, 2021). This amino acid position is highly conserved in available vertebrate species. This missense alteration is located in a region that has a low rate of benign missense variation (Lek, 2016; Firth, 2009). This alteration is predicted to be deleterious by in silico analysis. Based on the available evidence, this alteration is classified as pathogenic.

Blueprint Genetics
Classification: Likely pathogenic for ZEB2-related disorders. Last evaluated: 2022-06-29. Review status: criteria provided, single submitter. Criteria: ACMG Guidelines, 2015. Collection method: clinical testing. Allele origin: germline. Affected: yes. Observed: 1 variant allele.

Literature cited by the submitters: PubMed 33619735 (cited by Ambry Genetics).